The following is an entry in ClinVar:

NM_016492.5(RANGRF):c.2T>A (p.Met1Lys)

Genes: RANGRF (RAN guanine nucleotide release factor; plus strand), SLC25A35 (solute carrier family 25 member 35; minus strand). Cytogenetic location: 17p13.1.
Variant type: single nucleotide variant.
Coding change: c.2T>A on transcript NM_016492.5 (MANE Select); coding-DNA position 2, T replaced by A.
Protein change: p.Met1Lys; changes the start codon (methionine 1).
Molecular consequence: missense variant, initiator codon variant. On other transcripts: 3 prime UTR variant (1), non-coding transcript variant (1), intron variant (1).
Genome position (GRCh38, 1-based): chr17:8,288,790, T>A. VCF-style: chr17-8288790-T-A. GRCh37 (hg19) VCF-style: chr17-8192108-T-A.
Other names: c.2T>A, p.Met1Lys (NM_001177801.2, NM_001177802.2, NM_001330127.2); c.*826A>T (NM_201520.3); c.*43-358A>T (NM_001320871.2); short protein forms M1K.
Identifiers: ClinVar variation 1406584 (VCV001406584.9), dbSNP rs1230132538, ClinGen allele CA397993575.

ClinVar aggregate classification (germline): Uncertain significance (1 of 4 stars; one submission).

Conditions:
Cardiac arrhythmia. Also called: Cardiac rhythm disease; Arrhythmia. Identifiers: MedGen C0003811, MONDO:0007263, HP:0011675.

Allele frequency attached by ClinVar (database versions not stated): TOPMed 0.00001; gnomAD 0.00001.

Submission:

Labcorp Genetics (formerly Invitae), Labcorp
Classification: Uncertain significance for Cardiac arrhythmia. Last evaluated: 2021-06-01. Review status: criteria provided, single submitter. Criteria: Invitae Variant Classification Sherloc (09022015). Collection method: clinical testing. Allele origin: germline.
Comment: This sequence change affects the initiator methionine of the RANGRF mRNA. The next in-frame methionine is located at codon 20. This variant is not present in population databases (ExAC no frequency). This variant has not been reported in the literature in individuals with RANGRF-related conditions. Experimental studies and prediction algorithms are not available or were not evaluated, and the functional significance of this variant is currently unknown. In summary, the available evidence is currently insufficient to determine the role of this variant in disease. Therefore, it has been classified as a Variant of Uncertain Significance.